The following is an entry in ClinVar:

ClinVar aggregate classification (germline): Uncertain significance. Review status: criteria provided, single submitter (1 of 4 stars). 2 submissions from 2 submitters: Uncertain significance (1). 1 of the submissions does not count toward it. Last evaluated 2023-07-17.

Conditions:
Optic atrophy. Identifiers: MedGen C0029124, MONDO:0003608, HP:0000648.

Allele frequency attached by ClinVar (database versions not stated): gnomAD 0.00001; ExAC 0.00002; gnomAD exomes 0.00002 and 0.00003; TOPMed 0.00002.
gnomAD v4.1: 37 of 1,614,038 alleles (0.0023%); highest among the groups gnomAD compares: East Asian, 0.053%; no homozygotes.

Submissions (2):

Labcorp Genetics (formerly Invitae), Labcorp
Classification: Uncertain significance. Last evaluated: 2023-07-17. Review status: criteria provided, single submitter. Criteria: Invitae Variant Classification Sherloc (09022015). Collection method: clinical testing. Allele origin: germline.
Comment: In summary, the available evidence is currently insufficient to determine the role of this variant in disease. Therefore, it has been classified as a Variant of Uncertain Significance. Algorithms developed to predict the effect of missense changes on protein structure and function output the following: SIFT: "Not Available"; PolyPhen-2: "Benign"; Align-GVGD: "Not Available". The valine amino acid residue is found in multiple mammalian species, which suggests that this missense change does not adversely affect protein function. ClinVar contains an entry for this variant (Variation ID: 1355117). This variant has not been reported in the literature in individuals affected with RDH11-related conditions. This variant is present in population databases (rs748351968, gnomAD 0.03%). This sequence change replaces methionine, which is neutral and non-polar, with valine, which is neutral and non-polar, at codon 19 of the RDH11 protein (p.Met19Val).

Institute of Human Genetics, Univ. Regensburg, Univ. Regensburg
Classification: Uncertain significance for Optic atrophy. Last evaluated: 2022-01-01. Review status: no assertion criteria provided. Criteria: ACMG Guidelines, 2015. Collection method: clinical testing. Allele origin: germline. Affected: yes. Not counted in ClinVar's aggregate classification.

NM_016026.4(RDH11):c.55A>G (p.Met19Val)

Genes: GPHN (gephyrin; plus strand), RDH11 (retinol dehydrogenase 11; minus strand). Cytogenetic location: 14q24.1.
Variant type: single nucleotide variant.
Coding change: c.55A>G on transcript NM_016026.4 (MANE Select); coding-DNA position 55, A replaced by G.
Protein change: p.Met19Val; replaces methionine 19 with valine.
Molecular consequence: missense variant.
Genome position (GRCh38, 1-based): chr14:67,695,649, T>C on the plus strand (A>G on the coding strand, the complement: RDH11 is on the minus strand). VCF-style: chr14-67695649-T-C. GRCh37 (hg19) VCF-style: chr14-68162366-T-C.
Other names: c.55A>G, p.Met19Val (NM_001252650.2); short protein forms M19V.
Identifiers: ClinVar variation 1355117 (VCV001355117.9), dbSNP rs748351968, ClinGen allele CA7238519.